The following is an entry in ClinVar:

ClinVar aggregate classification (germline): Uncertain significance. Review status: criteria provided, multiple submitters, no conflicts (2 of 4 stars). 2 submissions from 2 submitters: Uncertain significance (2). Last evaluated 2025-10-06.

Allele frequency attached by ClinVar (database versions not stated): ExAC 0.00007; gnomAD exomes 0.00007; TOPMed 0.00025; gnomAD 0.00026.
gnomAD v4.1: 139 of 1,612,392 alleles (0.0086%); highest among the groups gnomAD compares: Admixed American, 0.11%; no homozygotes.

Submissions (2):

Labcorp Genetics (formerly Invitae), Labcorp
Classification: Uncertain significance. Last evaluated: 2025-10-06. Review status: criteria provided, single submitter. Criteria: Invitae Variant Classification Sherloc (09022015). Collection method: clinical testing. Allele origin: germline.
Comment: This sequence change replaces alanine, which is neutral and non-polar, with threonine, which is neutral and polar, at codon 400 of the MYH7B protein (p.Ala400Thr). This variant is present in population databases (rs202008106, gnomAD 0.08%), and has an allele count higher than expected for a pathogenic variant. This variant has not been reported in the literature in individuals affected with MYH7B-related conditions. ClinVar contains an entry for this variant (Variation ID: 2168555). Invitae Evidence Modeling of protein sequence and biophysical properties (such as structural, functional, and spatial information, amino acid conservation, physicochemical variation, residue mobility, and thermodynamic stability) indicates that this missense variant is not expected to disrupt MYH7B protein function with a negative predictive value of 80%. In summary, the available evidence is currently insufficient to determine the role of this variant in disease. Therefore, it has been classified as a Variant of Uncertain Significance.

Ambry Genetics
Classification: Uncertain significance. Last evaluated: 2024-12-25. Review status: criteria provided, single submitter. Criteria: Ambry Variant Classification Scheme 2023. Collection method: clinical testing. Allele origin: germline.

NM_020884.7(MYH7B):c.1072G>A (p.Ala358Thr)

Gene: MYH7B (myosin heavy chain 7B; plus strand). Cytogenetic location: 20q11.22.
Variant type: single nucleotide variant.
Coding change: c.1072G>A on transcript NM_020884.7 (MANE Select); coding-DNA position 1072, G replaced by A.
Protein change: p.Ala358Thr; replaces alanine 358 with threonine.
Molecular consequence: missense variant.
Genome position (GRCh38, 1-based): chr20:34,987,212, G>A. VCF-style: chr20-34987212-G-A. GRCh37 (hg19) VCF-style: chr20-33575015-G-A.
Other names: c.1198G>A (NM_020884.3); short protein forms A358T.
Identifiers: ClinVar variation 2168555 (VCV002168555.5), dbSNP rs202008106, ClinGen allele CA9826790.